The following is an entry in ClinVar:

ClinVar aggregate classification (germline): Uncertain significance (1 of 4 stars; one submission).

Submission:

Labcorp Genetics (formerly Invitae), Labcorp
Classification: Uncertain significance. Last evaluated: 2025-12-22. Review status: criteria provided, single submitter. Criteria: Invitae Variant Classification Sherloc (09022015). Collection method: clinical testing. Allele origin: germline.
Comment: This sequence change creates a premature translational stop signal (p.Cys520Alafs*2) in the TNNI3K gene. It is expected to result in an absent or disrupted protein product. However, the current clinical and genetic evidence is not sufficient to establish whether loss-of-function variants in TNNI3K cause disease. This variant is present in population databases (no rsID available, gnomAD 0.004%). This variant has not been reported in the literature in individuals affected with TNNI3K-related conditions. ClinVar contains an entry for this variant (Variation ID: 1366427). Experimental studies and prediction algorithms are not available or were not evaluated, and the functional significance of this variant is currently unknown. Algorithms developed to predict the effect of sequence changes on RNA splicing suggest that this variant may disrupt the consensus splice site. In summary, the available evidence is currently insufficient to determine the role of this variant in disease. Therefore, it has been classified as a Variant of Uncertain Significance.

NM_015978.3(TNNI3K):c.1557del (p.Cys520fs)

Genes: FPGT-TNNI3K (FPGT-TNNI3K readthrough; plus strand), TNNI3K (TNNI3 interacting kinase; plus strand). Cytogenetic location: 1p31.1.
Variant type: Deletion.
Coding change: c.1557del on transcript NM_015978.3 (MANE Select); coding-DNA position 1557, one base deleted (C; older notation c.1557delC).
Protein change: p.Cys520fs; shifts the reading frame from cysteine 520.
Molecular consequence: frameshift variant.
Genome position (GRCh38, 1-based): chr1:74,369,475, C deleted; the last of 3 consecutive C bases (chr1:74,369,473-74,369,475); deleting any one gives the same sequence. VCF-style (leftmost placement, unchanged base first): chr1-74369472-TC-T. GRCh37 (hg19) VCF-style: chr1-74835156-TC-T.
Other names: c.1860del, p.Cys621fs (NM_001112808.3, NM_001199327.2); short protein forms C520fs, C621fs.
Identifiers: ClinVar variation 1366427 (VCV001366427.6), dbSNP rs1329964136, ClinGen allele CA524229902.
Genomic context (GRCh38, chr1:74,369,472, plus strand): 5'-CTCCAAGTCAGATGTGGATATGTTTTGCCGAGAGGTGTCCATTCTCTGCCAGCTCAATCA[TC>T]CCTGCGTAATTCAGTTTGTGGGTGCTTGCTTGAATGATCCCAGCCAGTTTGCCATTGTCA-3'